The following is an entry in ClinVar:

NM_006348.5(COG5):c.-1C>G

Gene: COG5 (component of oligomeric golgi complex 5; minus strand). Cytogenetic location: 7q22.3.
Variant type: single nucleotide variant.
Coding change: c.-1C>G on transcript NM_006348.5 (MANE Select); 1 bases upstream of the start codon, C replaced by G.
Molecular consequence: 5 prime UTR variant.
Genome position (GRCh38, 1-based): chr7:107,563,897, G>C on the plus strand (C>G on the coding strand, the complement: COG5 is on the minus strand). VCF-style: chr7-107563897-G-C. GRCh37 (hg19) VCF-style: chr7-107204342-G-C.
Other names: c.-1C>G (NM_001161520.2, NM_001379511.1, NM_001379512.1 and 5 more transcripts).
Identifiers: ClinVar variation 2095448 (VCV002095448.4), dbSNP rs746011817, ClinGen allele CA368826588.

ClinVar aggregate classification (germline): Uncertain significance (1 of 4 stars; one submission).

Conditions:
COG5-congenital disorder of glycosylation. Also called: CDG IIi; CONGENITAL DISORDER OF GLYCOSYLATION, TYPE IIi; COG5-CDG. Identifiers: Orphanet 263487, MedGen C3150876, MONDO:0013325, OMIM 613612.

gnomAD v4.1: 17 of 1,613,716 alleles (0.0011%); highest among the groups gnomAD compares: Non-Finnish European, 0.0014%; no homozygotes.

Submission:

Labcorp Genetics (formerly Invitae), Labcorp
Classification: Uncertain significance for COG5-congenital disorder of glycosylation. Last evaluated: 2024-10-23. Review status: criteria provided, single submitter. Criteria: Invitae Variant Classification Sherloc (09022015). Collection method: clinical testing. Allele origin: germline.
Comment: This sequence change replaces asparagine, which is neutral and polar, with lysine, which is basic and polar, at codon 31 of the COG5 protein (p.Asn31Lys). This variant is present in population databases (no rsID available, gnomAD 0.0009%). This variant has not been reported in the literature in individuals affected with COG5-related conditions. ClinVar contains an entry for this variant (Variation ID: 2095448). An algorithm developed to predict the effect of missense changes on protein structure and function (PolyPhen-2) suggests that this variant is likely to be tolerated. In summary, the available evidence is currently insufficient to determine the role of this variant in disease. Therefore, it has been classified as a Variant of Uncertain Significance.